The following continues an entry in ClinVar:

NM_002485.5(NBN):c.425A>G (p.Asn142Ser)

Gene: NBN. ClinVar aggregate classification (germline): Conflicting classifications of pathogenicity. Uncertain significance (4); Benign (1); Likely benign (11).

Submission 18 of 18:

Department of Pathology and Laboratory Medicine, Sinai Health System
Classification: Uncertain significance for Malignant tumor of breast. Review status: no assertion criteria provided. Collection method: clinical testing. Allele origin: unknown. Affected: yes. Observed: 3 variant alleles. Study: The Canadian Open Genetics Repository (COGR). Not counted in ClinVar's aggregate classification.
Comment: The NBN p.Asn142Ser variant was identified in 4 of 9094 proband chromosomes (frequency: 0.0004) from individuals or families with myeloproliferative neoplasms, epithelial ovarian cancer, or breast cancer and in 4 of 8224 control chromosomes (frequency: 0.0005) from healthy individuals (Bodian 2014, Pratz 2016, Ramus 2015, Young 2016). The variant was also identified in dbSNP (ID: rs769414) as "With other allele", ClinVar (classified as likely benign by Invitae and GeneDx; and as uncertain significance by Ambry Genetics and four other clinical laboratories), Cosmic (1x in oesophagus), LOVD 3.0 (1x), and Zhejiang University database. The variant was identified in control databases in 47 of 277032 chromosomes at a frequency of 0.0002 (Genome Aggregation Database Feb 27, 2017). The variant was observed in the following populations: European in 24 of 126600 chromosomes (freq: 0.0002), African in 1 of 24028 chromosomes (freq: 0.00004), Other in 7 of 6460 chromosomes (freq: 0.001), Latino in 12 of 34412 chromosomes (freq: 0.0004), Ashkenazi Jewish in 2 of 10148 chromosomes (freq: 0.0002), and South Asian in 1 of 30782 chromosomes (freq: 0.00003); it was not observed in the East Asian or Finnish populations. The p.Asn142 residue is not conserved in mammals and computational analyses (PolyPhen-2, SIFT, AlignGVGD, BLOSUM, MutationTaster) do not suggest a high likelihood of impact to the protein; however, this information is not predictive enough to rule out pathogenicity. The variant occurs outside of the splicing consensus sequence and 2 of 5 in silico or computational prediction software programs (SpliceSiteFinder, MaxEntScan, NNSPLICE, GeneSplicer, HumanSpliceFinder) predict a greater than 10% difference in splicing; this is not very predictive of pathogenicity. In summary, based on the above information, the clinical significance of this variant cannot be determined with certainty at this time. This variant is classified as a variant of uncertain significance.

Literature cited by the submitters: PubMed 31278556 (cited by Quest Diagnostics Nichols Institute San Juan Capistrano and Women's Health and Genetics/Laboratory Corporation of America, LabCorp); PubMed 31206626 (cited by 3 submitters); PubMed 23525077 (cited by Quest Diagnostics Nichols Institute San Juan Capistrano and Women's Health and Genetics/Laboratory Corporation of America, LabCorp); PubMed 34646395 (cited by Quest Diagnostics Nichols Institute San Juan Capistrano and Women's Health and Genetics/Laboratory Corporation of America, LabCorp); PubMed 26315354 (cited by 4 submitters); PubMed 24728327 (cited by 4 submitters); PubMed 24894818 (cited by 3 submitters); PubMed 12376507 (cited by 3 submitters); PubMed 12427538 (cited by 3 submitters); PubMed 28873162 (cited by 3 submitters); PubMed 26979391 (cited by Quest Diagnostics Nichols Institute San Juan Capistrano); PubMed 32885271 (cited by Quest Diagnostics Nichols Institute San Juan Capistrano); PubMed 29641532 (cited by Quest Diagnostics Nichols Institute San Juan Capistrano); PubMed 26787654 (cited by 3 submitters); PubMed 36155879 (cited by Quest Diagnostics Nichols Institute San Juan Capistrano and Women's Health and Genetics/Laboratory Corporation of America, LabCorp); PubMed 35534704 (cited by Women's Health and Genetics/Laboratory Corporation of America, LabCorp); PubMed 29758565 (cited by Ambry Genetics).